The following is an entry in ClinVar:

ClinVar aggregate classification (germline): Conflicting classifications of pathogenicity. Review status: criteria provided, conflicting classifications (1 of 4 stars). 4 submissions from 4 submitters: Uncertain significance (3); Likely benign (1). Last evaluated 2025-10-11.

Conditions:
Hereditary cancer-predisposing syndrome. Also called: Hereditary Cancer Syndrome; Neoplastic Syndromes, Hereditary; Tumor predisposition; Hereditary neoplastic syndrome. Identifiers: Orphanet 140162, MedGen C0027672, MeSH D009386, MONDO:0015356.
Familial cancer of breast. Also called: BREAST CANCER, FAMILIAL; Hereditary breast cancer; hereditary breast carcinoma. Identifiers: Orphanet 227535, MedGen C0346153, MONDO:0016419, OMIM 114480. Disease mechanism: loss of function.

Allele frequency attached by ClinVar (database versions not stated): gnomAD exomes below 0.00001; TOPMed 0.00001.
gnomAD v4.1: 5 of 1,614,184 alleles (0.00031%); highest among the groups gnomAD compares: African/African-American, 0.0027%; no homozygotes.

Submissions (4):

Labcorp Genetics (formerly Invitae), Labcorp
Classification: Uncertain significance for Familial cancer of breast. Last evaluated: 2025-10-11. Review status: criteria provided, single submitter. Criteria: Invitae Variant Classification Sherloc (09022015). Collection method: clinical testing. Allele origin: germline.
Comment: This sequence change replaces methionine, which is neutral and non-polar, with isoleucine, which is neutral and non-polar, at codon 768 of the BARD1 protein (p.Met768Ile). This variant is present in population databases (no rsID available, gnomAD 0.007%). This variant has not been reported in the literature in individuals affected with BARD1-related conditions. ClinVar contains an entry for this variant (Variation ID: 481365). An algorithm developed to predict the effect of missense changes on protein structure and function outputs the following: PolyPhen-2: "Benign". The isoleucine amino acid residue is found in multiple mammalian species, which suggests that this missense change does not adversely affect protein function. RNA analysis performed to evaluate the impact of this missense change on mRNA splicing indicates it does not significantly alter splicing (internal data). In summary, the available evidence is currently insufficient to determine the role of this variant in disease. Therefore, it has been classified as a Variant of Uncertain Significance.

Ambry Genetics
Classification: Likely benign for Hereditary cancer-predisposing syndrome. Last evaluated: 2024-02-26. Review status: criteria provided, single submitter. Criteria: Ambry Variant Classification Scheme 2023. Collection method: clinical testing. Allele origin: germline.

Baylor Genetics
Classification: Uncertain significance for Familial cancer of breast. Last evaluated: 2024-02-20. Review status: criteria provided, single submitter. Criteria: ACMG Guidelines, 2015. Collection method: clinical testing. Allele origin: unknown.

GeneDx
Classification: Uncertain significance. Last evaluated: 2022-06-26. Review status: criteria provided, single submitter. Criteria: GeneDx Variant Classification Process June 2021. Collection method: clinical testing. Allele origin: germline. Affected: yes.
Comment: Not observed at significant frequency in large population cohorts (gnomAD); In silico analysis supports that this missense variant does not alter protein structure/function; Has not been previously published as pathogenic or benign to our knowledge; This variant is associated with the following publications: (PMID: 17550235)

NM_000465.4(BARD1):c.2304G>A (p.Met768Ile)

Gene: BARD1 (BRCA1 associated RING domain 1; minus strand). Cytogenetic location: 2q35.
Variant type: single nucleotide variant.
Coding change: c.2304G>A on transcript NM_000465.4 (MANE Select); coding-DNA position 2304, G replaced by A.
Protein change: p.Met768Ile; replaces methionine 768 with isoleucine.
Molecular consequence: missense variant. On other transcripts: non-coding transcript variant (3).
Genome position (GRCh38, 1-based): chr2:214,728,706, C>T on the plus strand (G>A on the coding strand, the complement: BARD1 is on the minus strand). VCF-style: chr2-214728706-C-T. GRCh37 (hg19) VCF-style: chr2-215593430-C-T.
Other names: c.2247G>A, p.Met749Ile (NM_001282543.2); c.951G>A, p.Met317Ile (NM_001282545.2); c.894G>A, p.Met298Ile (NM_001282548.2); c.765G>A, p.Met255Ile (NM_001282549.2); short protein forms M768I, M298I, M255I, M749I, M317I.
Identifiers: ClinVar variation 481365 (VCV000481365.17), dbSNP rs730881409, ClinGen allele CA64792574.